The following is an entry in ClinVar:

ClinVar aggregate classification (germline): Likely pathogenic (1 of 4 stars; one submission).

Conditions:
OCA2-related disorder. Also called: OCA2-related condition.

Submission:

PreventionGenetics, part of Exact Sciences
Classification: Likely pathogenic for OCA2-related condition. Last evaluated: 2023-03-30. Review status: criteria provided, single submitter. Criteria: ACMG Guidelines, 2015. Collection method: clinical testing. Allele origin: germline.
Comment: The OCA2 c.1923delG variant is predicted to result in a frameshift and premature protein termination (p.Phe642Leufs*21). To our knowledge, this variant has not been reported in the literature or in a large population database, indicating this variant is rare. Frameshift variants in OCA2 are expected to be pathogenic. This variant is interpreted as likely pathogenic.

NM_000275.3(OCA2):c.1923del (p.Phe642fs)

Gene: OCA2 (OCA2 melanosomal transmembrane protein; minus strand). Cytogenetic location: 15q13.1.
Variant type: Deletion.
Coding change: c.1923del on transcript NM_000275.3 (MANE Select); coding-DNA position 1923, one base deleted (G; older notation c.1923delG).
Protein change: p.Phe642fs; shifts the reading frame from phenylalanine 642.
Molecular consequence: frameshift variant.
Genome position (GRCh38, 1-based): chr15:27,951,812, C deleted on the plus strand (G on the coding strand, the reverse complement: OCA2 is on the minus strand). VCF-style (leftmost placement, unchanged base first): chr15-27951811-AC-A. GRCh37 (hg19) VCF-style: chr15-28196957-AC-A.
Other names: c.1851del, p.Phe618fs (NM_001300984.2); short protein forms F618fs, F642fs.
Identifiers: ClinVar variation 2636417 (VCV002636417.1), dbSNP rs2506397508, ClinGen allele CA2695197227.